The following is an entry in ClinVar:

NM_138694.4(PKHD1):c.5918T>C (p.Leu1973Pro)

Gene: PKHD1 (PKHD1 ciliary IPT domain containing fibrocystin/polyductin; minus strand). Cytogenetic location: 6p12.2.
Variant type: single nucleotide variant.
Coding change: c.5918T>C on transcript NM_138694.4 (MANE Select); coding-DNA position 5918, T replaced by C.
Protein change: p.Leu1973Pro; replaces leucine 1973 with proline.
Molecular consequence: missense variant.
Genome position (GRCh38, 1-based): chr6:51,934,313, A>G on the plus strand (T>C on the coding strand, the complement: PKHD1 is on the minus strand). VCF-style: chr6-51934313-A-G. GRCh37 (hg19) VCF-style: chr6-51799111-A-G.
Other names: c.5918T>C, p.Leu1973Pro (NM_170724.3); short protein forms L1973P.
Identifiers: ClinVar variation 2681773 (VCV002681773.2), dbSNP rs2537016218.

ClinVar aggregate classification (germline): Uncertain significance (1 of 4 stars; one submission).

Conditions:
Polycystic kidney disease 4 (PKD4). Also called: POLYCYSTIC KIDNEY AND HEPATIC DISEASE 1; POLYCYSTIC KIDNEY DISEASE, INFANTILE, TYPE I; PKD3; POLYCYSTIC KIDNEY DISEASE 4 WITH OR WITHOUT POLYCYSTIC LIVER DISEASE; Autosomal Recessive Polycystic Kidney Disease – PKHD1. Identifiers: MedGen C4540575, MONDO:0033004, OMIM 263200.

Submission:

Precision Medicine Center, Zhengzhou University
Classification: Uncertain significance for Polycystic kidney disease 4. Last evaluated: 2023-12-01. Review status: criteria provided, single submitter. Criteria: ACMG Guidelines, 2015. Collection method: clinical testing. Allele origin: paternal. Affected: yes.
Comment: PM2_p,PP3